The following is an entry in ClinVar:

ClinVar aggregate classification (germline): Pathogenic (1 of 4 stars; one submission).

Submission:

Labcorp Genetics (formerly Invitae), Labcorp
Classification: Pathogenic. Last evaluated: 2025-04-19. Review status: criteria provided, single submitter. Criteria: Invitae Variant Classification Sherloc (09022015). Collection method: clinical testing. Allele origin: germline.
Comment: This sequence change creates a premature translational stop signal (p.Cys3749*) in the DNAH9 gene. It is expected to result in an absent or disrupted protein product. Loss-of-function variants in DNAH9 are known to be pathogenic (PMID: 30471718). This variant is not present in population databases (gnomAD no frequency). This variant has not been reported in the literature in individuals affected with DNAH9-related conditions. For these reasons, this variant has been classified as Pathogenic.

Literature cited by the submitters: PubMed 30471718.

NM_001372.4(DNAH9):c.11247_11248del (p.Cys3749_Asp3750delinsTer)

Gene: DNAH9 (dynein axonemal heavy chain 9; plus strand). Cytogenetic location: 17p12.
Variant type: Microsatellite.
Coding change: c.11247_11248del on transcript NM_001372.4 (MANE Select); coding-DNA positions 11247 to 11248, 2 bases deleted (TG; older notation c.11247_11248delTG).
Protein change: p.Cys3749_Asp3750delinsTer.
Molecular consequence: nonsense.
Genome position (GRCh38, 1-based): chr17:11,891,911-11,891,912, TG deleted; deleting any 2 consecutive bases within chr17:11,891,908-11,891,912 gives the same sequence; the c. name uses the placement nearest the transcript's 3' end. VCF-style (leftmost placement, unchanged base first): chr17-11891907-AGT-A. GRCh37 (hg19) VCF-style: chr17-11795224-AGT-A.
Other names: c.183_184del, p.Cys61_Asp62delinsTer (NM_004662.2).
Identifiers: ClinVar variation 4717098 (VCV004717098.1).
Genomic context (GRCh38, chr17:11,891,907, plus strand): 5'-CCAACCTAATAGACAGCATAACCTTCTCTGTGTACCAGTACACCATCCGCGGGCTCTTTG[AGT>A]GTGATAAGCTGACCTACCTTGCCCAGCTCACCTTTCAGGTAAAAGTGGATTGAAGAAGTT-3'